The following is an entry in ClinVar:

NM_001040142.2(SCN2A):c.5274T>A (p.Ser1758Arg)

Gene: SCN2A (sodium voltage-gated channel alpha subunit 2; plus strand). Cytogenetic location: 2q24.3.
Variant type: single nucleotide variant.
Coding change: c.5274T>A on transcript NM_001040142.2 (MANE Select); coding-DNA position 5274, T replaced by A.
Protein change: p.Ser1758Arg; replaces serine 1758 with arginine.
Molecular consequence: missense variant.
Genome position (GRCh38, 1-based): chr2:165,389,080, T>A. VCF-style: chr2-165389080-T-A. GRCh37 (hg19) VCF-style: chr2-166245590-T-A.
Other names: c.5274T>A, p.Ser1758Arg (NM_001040143.2, NM_001371246.1, NM_001371247.1 and 1 more transcripts); short protein forms S1758R.
Identifiers: ClinVar variation 521745 (VCV000521745.5), dbSNP rs1553463586, ClinGen allele CA349038598.

ClinVar aggregate classification (germline): Likely pathogenic (1 of 4 stars; one submission).

Conditions:
Inborn genetic diseases. Identifiers: MedGen C0950123, MeSH D030342.

Submission:

Ambry Genetics
Classification: Likely pathogenic for Inborn genetic diseases. Last evaluated: 2020-02-19. Review status: criteria provided, single submitter. Criteria: Ambry Variant Classification Scheme 2023. Collection method: clinical testing. Allele origin: germline.
Comment: The alteration results in an amino acid change:_x000D_ _x000D_ The c.5274T>A (p.S1758R) alteration is located in exon 27 (coding exon 26) of the SCN2A gene. This alteration results from a T to A substitution at nucleotide position 5274, causing the serine (S) at amino acid position 1758 to be replaced by an arginine (R). The alteration is not observed in population databases: _x000D_ _x000D_ Based on data from the Genome Aggregation Database (gnomAD), the SCN2A c.5274T>A alteration was not observed, with coverage at this position. The amino acid alteration has been observed in affected individuals:_x000D_ _x000D_ This amino acid substitution, resulting from a different nucleotide change (c.5274T>G), was reported de novo in an individual with autism spectrum disorder, intellectual disability, motor and speech delays, gastrointestinal disturbances, hypotonia, and a history of feeding problems (Guo, 2018). The altered amino acid is conserved throughout evolution:_x000D_ _x000D_ The p.S1758 amino acid is conserved in available vertebrate species. The amino acid is located in a functionally important protein domain:_x000D_ _x000D_ The p.S1758 amino acid is located in the S6 transmembrane segment of domain IV of Nav1.2 neuronal voltage gated sodium channel. The S5 and S6 segments from each of the four domains form the inner portion of the ion channel pore; the four S6 segments form the wider intracellular end of the pore (Yu, 2003). The alteration is predicted deleterious by in silico modeling:_x000D_ _x000D_ The p.S1758R alteration is predicted to be deleterious by in silico analysis. Based on the available evidence, this alteration is classified as likely pathogenic.

Literature cited by the submitters: PubMed 12620097; PubMed 30564305.